The following is an entry in ClinVar:

ClinVar aggregate classification (germline): Uncertain significance (1 of 4 stars; one submission).

Submission:

Dasa
Classification: Uncertain significance. Last evaluated: 2025-05-22. Review status: criteria provided, single submitter. Criteria: DASA Assertion Criteria. Collection method: clinical testing. Allele origin: germline.
Comment: NM_207122.2(EXT2):c.1963C>A (p.Pro655Thr) is a missense variant that results in the substitution of proline with threonine. This variant is absent from population databases. Computational prediction algorithms are consistent with a deleterious effect. The currently available literature and clinical evidence are not sufficient to establish a definitive association between this variant and the reported condition. Therefore, this variant is classified as a variant of uncertain significance.

NM_207122.2(EXT2):c.1963C>A (p.Pro655Thr)

Gene: EXT2 (exostosin glycosyltransferase 2; plus strand). Cytogenetic location: 11p11.2.
Variant type: single nucleotide variant.
Coding change: c.1963C>A on transcript NM_207122.2 (MANE Select); coding-DNA position 1963, C replaced by A.
Protein change: p.Pro655Thr; replaces proline 655 with threonine.
Molecular consequence: missense variant.
Genome position (GRCh38, 1-based): chr11:44,236,320, C>A. VCF-style: chr11-44236320-C-A. GRCh37 (hg19) VCF-style: chr11-44257870-C-A.
Other names: c.2062C>A, p.Pro688Thr (NM_000401.3); c.1993C>A, p.Pro665Thr (NM_001178083.3); c.1963C>A, p.Pro655Thr (NM_001389628.1, NM_001389630.1); short protein forms P655T, P665T, P688T.
Identifiers: ClinVar variation 5020952 (VCV005020952.1).